The following is an entry in ClinVar:

NM_003803.4(MYOM1):c.611C>A (p.Ala204Glu)

Gene: MYOM1 (myomesin 1; minus strand). Cytogenetic location: 18p11.31.
Variant type: single nucleotide variant.
Coding change: c.611C>A on transcript NM_003803.4 (MANE Select); coding-DNA position 611, C replaced by A.
Protein change: p.Ala204Glu; replaces alanine 204 with glutamic acid.
Molecular consequence: missense variant.
Genome position (GRCh38, 1-based): chr18:3,188,908, G>T on the plus strand (C>A on the coding strand, the complement: MYOM1 is on the minus strand). VCF-style: chr18-3188908-G-T. GRCh37 (hg19) VCF-style: chr18-3188906-G-T.
Other names: c.611C>A, p.Ala204Glu (NM_019856.2); short protein forms A204E.
Identifiers: ClinVar variation 1349209 (VCV001349209.6), dbSNP rs375742037, ClinGen allele CA8875197.

ClinVar aggregate classification (germline): Uncertain significance (1 of 4 stars; one submission).

Conditions:
Hypertrophic cardiomyopathy. Also called: HYPERTROPHIC MYOCARDIOPATHY. Identifiers: Orphanet 217569, MedGen C0007194, MeSH D002312, MONDO:0005045, HP:0001639.

Allele frequency attached by ClinVar (database versions not stated): gnomAD exomes 0.00002; ESP Exome Variant Server 0.00008.

Submission:

Labcorp Genetics (formerly Invitae), Labcorp
Classification: Uncertain significance for Hypertrophic cardiomyopathy. Last evaluated: 2023-01-27. Review status: criteria provided, single submitter. Criteria: Invitae Variant Classification Sherloc (09022015). Collection method: clinical testing. Allele origin: germline.
Comment: In summary, the available evidence is currently insufficient to determine the role of this variant in disease. Therefore, it has been classified as a Variant of Uncertain Significance. This sequence change replaces alanine, which is neutral and non-polar, with glutamic acid, which is acidic and polar, at codon 204 of the MYOM1 protein (p.Ala204Glu). This variant is present in population databases (rs375742037, gnomAD 0.003%). This variant has not been reported in the literature in individuals affected with MYOM1-related conditions. ClinVar contains an entry for this variant (Variation ID: 1349209). Algorithms developed to predict the effect of missense changes on protein structure and function (SIFT, PolyPhen-2, Align-GVGD) all suggest that this variant is likely to be tolerated.